The following is an entry in ClinVar:

NC_000005.9:g.(?_153855366)_(153857568_?)dup

Gene: HAND1 (heart and neural crest derivatives expressed 1; minus strand). Cytogenetic location: 5q33.2.
Variant type: Duplication.
Identifiers: ClinVar variation 2425232 (VCV002425232.12).

ClinVar aggregate classification (germline): Uncertain significance (1 of 4 stars; one submission).

Conditions:
Hypoplastic left heart syndrome. Also called: Hypoplastic left heart; Hypoplastic left ventricle. Identifiers: Orphanet 2248, MedGen C0152101, MONDO:0004933, HP:0004383.

Submission:

Labcorp Genetics (formerly Invitae), Labcorp
Classification: Uncertain significance for Hypoplastic left heart syndrome. Last evaluated: 2023-01-01. Review status: criteria provided, single submitter. Criteria: Invitae Variant Classification Sherloc (09022015). Collection method: clinical testing. Allele origin: germline.
Comment: A copy number gain of the genomic region encompassing the full coding sequence of the HAND1 gene has been identified. The boundaries of this event are unknown as they extend beyond the assayed region for this gene and therefore may encompass additional genes. As the precise location of this event is unknown, it may be in tandem or it may be located elsewhere in the genome. In summary, the available evidence is currently insufficient to determine the role of this variant in disease. Therefore, it has been classified as a Variant of Uncertain Significance. This variant has not been reported in the literature in individuals affected with HAND1-related conditions.